The following is an entry in ClinVar:

ClinVar aggregate classification (germline): Likely pathogenic (1 of 4 stars; one submission).

Submission:

CeGaT Center for Human Genetics Tuebingen
Classification: Likely pathogenic. Last evaluated: 2026-08-01. Review status: criteria provided, single submitter. Criteria: CeGaT Center For Human Genetics Tuebingen Variant Classification Criteria Version 2. Collection method: clinical testing. Allele origin: germline. Affected: yes. Observed: 1 variant allele.
Comment: GATA2: PVS1:Strong, PM2

NM_032638.5(GATA2):c.1007del (p.Lys336fs)

Gene: GATA2 (GATA binding protein 2; minus strand). Cytogenetic location: 3q21.3.
Variant type: Deletion.
Coding change: c.1007del on transcript NM_032638.5 (MANE Select); coding-DNA position 1007, one base deleted (A; older notation c.1007delA).
Protein change: p.Lys336fs; shifts the reading frame from lysine 336.
Molecular consequence: frameshift variant.
Genome position (GRCh38, 1-based): chr3:128,483,870, T deleted on the plus strand (A on the coding strand, the reverse complement: GATA2 is on the minus strand); the first of 2 consecutive T bases (chr3:128,483,870-128,483,871); deleting either gives the same sequence. VCF-style (leftmost placement, unchanged base first): chr3-128483869-CT-C. GRCh37 (hg19) VCF-style: chr3-128202712-CT-C.
Other names: c.1007del, p.Lys336fs (NM_001145661.2, NM_001145662.1); short protein forms K336fs.
Identifiers: ClinVar variation 5040590 (VCV005040590.1).
Genomic context (GRCh38, chr3:128,483,869, plus strand): 5'-CGCCAGCTCCTGCCCAGCAGCCCCCTCCCAGCCACCTGTGCCCGCTCCTACCAGTCTTCG[CT>C]TGGGCTTGATGAGTGGTCGGTTCTGCCCATTCATCTTGTGGTAGAGGCCACAGGCATTGC-3'